The following is an entry in ClinVar:

ClinVar aggregate classification (germline): Pathogenic (1 of 4 stars; one submission).

Conditions:
Hereditary cancer-predisposing syndrome. Also called: Neoplastic Syndromes, Hereditary; Tumor predisposition; Hereditary Cancer Syndrome; Hereditary neoplastic syndrome. Identifiers: Orphanet 140162, MedGen C0027672, MeSH D009386, MONDO:0015356.

Submission:

Ambry Genetics
Classification: Pathogenic for Hereditary cancer-predisposing syndrome. Last evaluated: 2026-03-05. Review status: criteria provided, single submitter. Criteria: Ambry Variant Classification Scheme 2023. Collection method: clinical testing. Allele origin: germline.
Comment: The p.Q205* pathogenic mutation (also known as c.613C>T), located in coding exon 3 of the SMARCA4 gene, results from a C to T substitution at nucleotide position 613. This changes the amino acid from a glutamine to a stop codon within coding exon 3. This variant is considered to be rare based on population cohorts in the Genome Aggregation Database (gnomAD). This variant is expected to result in loss of function by premature protein truncation or nonsense-mediated mRNA decay. Loss-of-function variants in SMARCA4 are known to cause rhabdoid tumor predisposition syndrome including small cell carcinoma of the ovary-hypercalcemic type (SCCOHT); however, such associations with neurodevelopmental disorders are exceedingly rare (Kosho T et al. Am J Med Genet C Semin Med Genet. 2014 Sep;166C(3):262-75; Jelinic P et al. Nat Genet. 2014 May;46(5):424-6). Based on the supporting evidence, this variant is pathogenic for rhabdoid tumor predisposition syndrome; however, the association of this variant with Coffin-Siris syndrome is unlikely.

NM_003072.5(SMARCA4):c.613C>T (p.Gln205Ter)

Gene: SMARCA4 (SWI/SNF related BAF chromatin remodeling complex subunit ATPase 4; plus strand). Cytogenetic location: 19p13.2.
Variant type: single nucleotide variant.
Coding change: c.613C>T on transcript NM_003072.5 (MANE Select); coding-DNA position 613, C replaced by T.
Protein change: p.Gln205Ter; replaces glutamine 205 with a stop codon.
Molecular consequence: nonsense. On other transcripts: non-coding transcript variant (1).
Genome position (GRCh38, 1-based): chr19:10,986,446, C>T. VCF-style: chr19-10986446-C-T. GRCh37 (hg19) VCF-style: chr19-11097122-C-T.
Other names: c.613C>T, p.Gln205Ter (NM_001128844.3, NM_001128845.2, NM_001128846.2 and 6 more transcripts); short protein forms Q205*.
Identifiers: ClinVar variation 4825127 (VCV004825127.1).